The following is an entry in ClinVar:

NM_000404.4(GLB1):c.400G>A (p.Gly134Arg)

Gene: GLB1 (galactosidase beta 1; minus strand). Cytogenetic location: 3p22.3.
Variant type: single nucleotide variant.
Coding change: c.400G>A on transcript NM_000404.4 (MANE Select); coding-DNA position 400, G replaced by A.
Protein change: p.Gly134Arg; replaces glycine 134 with arginine.
Molecular consequence: missense variant. On other transcripts: intron variant (1).
Genome position (GRCh38, 1-based): chr3:33,068,287, C>T on the plus strand (G>A on the coding strand, the complement: GLB1 is on the minus strand). VCF-style: chr3-33068287-C-T. GRCh37 (hg19) VCF-style: chr3-33109779-C-T.
Other names: c.310G>A, p.Gly104Arg (NM_001079811.3); c.544G>A, p.Gly182Arg (NM_001317040.2); c.400G>A, p.Gly134Arg (NM_001393580.1); c.246-2730G>A (NM_001135602.3); short protein forms G104R, G134R, G182R.
Identifiers: ClinVar variation 3759085 (VCV003759085.2).
Genomic context (GRCh38, chr3:33,068,287, plus strand): 5'-TACCTGGGTCGGAGGAGCGGAGAAGAATAGACTCTTTCTCTAGCAGCCAAGCAGGTAATC[C>T]TCCCTAGTTCAGGGAAAACAAGCCATTATAATGTCTGTTCCGTGAAGGGTGCTCAGAGGA-3'
Protein context (NP_000395.3, residues 124-144): PYICAEWEMG[Gly134Arg]LPAWLLEKES

ClinVar aggregate classification (germline): Pathogenic (1 of 4 stars; one submission).

Conditions:
Mucopolysaccharidosis, MPS-IV-B (MPS4B). Also called: MORQUIO SYNDROME B; Mucopolysaccharidosis type IV B; Mucopolysaccharidosis Type IVB; Mucopolysaccharidosis type 4B; Mucopolysaccharidosis Type IVB (Morquio B Disease); Mucopolysaccharidosis type IVB (Morquio). Identifiers: Orphanet 309310, Orphanet 582, MedGen C0086652, MONDO:0009660, OMIM 253010.
GM1 gangliosidosis. Identifiers: Orphanet 354, MedGen C0085131, MONDO:0018149.

Submission:

Labcorp Genetics (formerly Invitae), Labcorp
Classification: Pathogenic for Mucopolysaccharidosis, MPS-IV-B; GM1 gangliosidosis. Last evaluated: 2024-06-26. Review status: criteria provided, single submitter. Criteria: Invitae Variant Classification Sherloc (09022015). Collection method: clinical testing. Allele origin: germline.
Comment: This sequence change replaces glycine, which is neutral and non-polar, with arginine, which is basic and polar, at codon 134 of the GLB1 protein (p.Gly134Arg). This variant is not present in population databases (gnomAD no frequency). This missense change has been observed in individual(s) with GM1 gangliosidosis (PMID: 25936995). Advanced modeling of protein sequence and biophysical properties (such as structural, functional, and spatial information, amino acid conservation, physicochemical variation, residue mobility, and thermodynamic stability) performed at Invitae indicates that this missense variant is expected to disrupt GLB1 protein function with a positive predictive value of 95%. This variant disrupts the p.Gly134 amino acid residue in GLB1. Other variant(s) that disrupt this residue have been determined to be pathogenic (PMID: 17309651, 33558080). This suggests that this residue is clinically significant, and that variants that disrupt this residue are likely to be disease-causing. For these reasons, this variant has been classified as Pathogenic.

Literature cited by the submitters: PubMed 25936995; PubMed 17309651; PubMed 33558080.